The following is an entry in ClinVar:

ClinVar aggregate classification (germline): Likely pathogenic (1 of 4 stars; one submission).

Conditions:
SCN2A-related disorder. Also called: SCN2A-related condition; SCN2A-related disorders. Identifiers: MedGen CN382226, MONDO:1060245.

Submission:

PreventionGenetics, part of Exact Sciences
Classification: Likely pathogenic for SCN2A-related condition. Last evaluated: 2023-05-04. Review status: criteria provided, single submitter. Criteria: ACMG Guidelines, 2015. Collection method: clinical testing. Allele origin: germline.
Comment: The SCN2A c.2509delG variant is predicted to result in a frameshift and premature protein termination (p.Glu837Asnfs*31). To our knowledge, this variant has not been reported in the literature or in a large population database, indicating this variant is rare. Frameshift variants in SCN2A are expected to be pathogenic. This variant is interpreted as likely pathogenic.

NM_001040142.2(SCN2A):c.2509del (p.Glu837fs)

Gene: SCN2A (sodium voltage-gated channel alpha subunit 2; plus strand). Cytogenetic location: 2q24.3.
Variant type: Deletion.
Coding change: c.2509del on transcript NM_001040142.2 (MANE Select); coding-DNA position 2509, one base deleted (G; older notation c.2509delG).
Protein change: p.Glu837fs; shifts the reading frame from glutamic acid 837.
Molecular consequence: frameshift variant.
Genome position (GRCh38, 1-based): chr2:165,342,416, G deleted; the last of 2 consecutive G bases (chr2:165,342,415-165,342,416); deleting either gives the same sequence. VCF-style (leftmost placement, unchanged base first): chr2-165342414-TG-T. GRCh37 (hg19) VCF-style: chr2-166198924-TG-T.
Other names: c.2509del, p.Glu837fs (NM_001040143.2, NM_001371246.1, NM_001371247.1 and 1 more transcripts); short protein forms E837fs.
Identifiers: ClinVar variation 2633168 (VCV002633168.1), dbSNP rs2467999221, ClinGen allele CA2695197066.